The following is an entry in ClinVar:

NM_001292063.2(OTOG):c.7871G>C (p.Arg2624Pro)

Gene: OTOG (otogelin; plus strand). Cytogenetic location: 11p15.1.
Variant type: single nucleotide variant.
Coding change: c.7871G>C on transcript NM_001292063.2 (MANE Select); coding-DNA position 7871, G replaced by C.
Protein change: p.Arg2624Pro; replaces arginine 2624 with proline.
Molecular consequence: missense variant.
Genome position (GRCh38, 1-based): chr11:17,638,526, G>C. VCF-style: chr11-17638526-G-C. GRCh37 (hg19) VCF-style: chr11-17660073-G-C.
Other names: c.7907G>C, p.Arg2636Pro (NM_001277269.2); short protein forms R2624P, R2636P.
Identifiers: ClinVar variation 1700895 (VCV001700895.2), dbSNP rs890211812, ClinGen allele CA379781251.

ClinVar aggregate classification (germline): Uncertain significance (1 of 4 stars; one submission).

gnomAD v4.1: 1 of 1,550,360 alleles (0.000065%); highest among the groups gnomAD compares: Non-Finnish European, 0.000087%; no homozygotes.

Submission:

GeneDx
Classification: Uncertain significance. Last evaluated: 2022-02-15. Review status: criteria provided, single submitter. Criteria: GeneDx Variant Classification Process June 2021. Collection method: clinical testing. Allele origin: germline. Affected: yes.
Comment: Not observed at significant frequency in large population cohorts (gnomAD); In silico analysis supports that this missense variant has a deleterious effect on protein structure/function; Has not been previously published as pathogenic or benign to our knowledge